The following is an entry in ClinVar:

NM_024577.4(SH3TC2):c.920G>A (p.Trp307Ter)

Gene: SH3TC2 (SH3 domain and tetratricopeptide repeats 2; minus strand). Cytogenetic location: 5q32.
Variant type: single nucleotide variant.
Coding change: c.920G>A on transcript NM_024577.4 (MANE Select); coding-DNA position 920, G replaced by A.
Protein change: p.Trp307Ter; replaces tryptophan 307 with a stop codon.
Molecular consequence: nonsense.
Genome position (GRCh38, 1-based): chr5:149,038,376, C>T on the plus strand (G>A on the coding strand, the complement: SH3TC2 is on the minus strand). VCF-style: chr5-149038376-C-T. GRCh37 (hg19) VCF-style: chr5-148417939-C-T.
Other names: short protein forms W307*.
Identifiers: ClinVar variation 21701 (VCV000021701.9), dbSNP rs80338921, ClinGen allele CA342391.

ClinVar aggregate classification (germline): Pathogenic. Review status: criteria provided, single submitter (1 of 4 stars). 2 submissions from 2 submitters: Pathogenic (1). 1 of the submissions does not count toward it. Last evaluated 2021-03-24.

Conditions:
Charcot-Marie-Tooth disease type 4. Also called: Charcot-Marie-Tooth, Type 4; Charcot-Marie-Tooth disease, type IV. Identifiers: Orphanet 64749, MedGen C4082197, MONDO:0018995.
Charcot-Marie-Tooth disease. Also called: Charcot-Marie-Tooth Neuropathy; Charcot-Marie-Tooth Hereditary Neuropathy. Identifiers: Orphanet 166, MedGen C0007959, MONDO:0015626.

Submissions (2):

Labcorp Genetics (formerly Invitae), Labcorp
Classification: Pathogenic for Charcot-Marie-Tooth disease type 4. Last evaluated: 2021-03-24. Review status: criteria provided, single submitter. Criteria: Invitae Variant Classification Sherloc (09022015). Collection method: clinical testing. Allele origin: germline.
Comment: This sequence change creates a premature translational stop signal (p.Trp307*) in the SH3TC2 gene. It is expected to result in an absent or disrupted protein product. Loss-of-function variants in SH3TC2 are known to be pathogenic (PMID: 20220177, 27068304). This variant is not present in population databases (ExAC no frequency). This variant has been observed in individual(s) with Charcot-Marie-Tooth disease (PMID: 16924012). ClinVar contains an entry for this variant (Variation ID: 21701). For these reasons, this variant has been classified as Pathogenic.

Inherited Neuropathy Consortium
Classification: Uncertain significance for Charcot-Marie-Tooth disease. Review status: no assertion criteria provided. Collection method: literature only. Allele origin: germline. Affected: yes. Not counted in ClinVar's aggregate classification.

Literature cited by the submitters: PubMed 20220177 (cited by Labcorp Genetics (formerly Invitae), Labcorp); PubMed 27068304 (cited by Labcorp Genetics (formerly Invitae), Labcorp); PubMed 16924012 (cited by Labcorp Genetics (formerly Invitae), Labcorp and Inherited Neuropathy Consortium).